The following is an entry in ClinVar:

ClinVar aggregate classification (germline): Uncertain significance (1 of 4 stars; one submission).

gnomAD v4.1: 1 of 1,614,182 alleles (0.000062%); highest among the groups gnomAD compares: Non-Finnish European, 0.000085%; no homozygotes.

Submission:

GeneDx
Classification: Uncertain significance. Last evaluated: 2025-06-24. Review status: criteria provided, single submitter. Criteria: GeneDx Variant Classification Process June 2021. Collection method: clinical testing. Allele origin: germline. Affected: yes.
Comment: Not observed at significant frequency in large population cohorts (gnomAD); In silico analysis supports that this missense variant has a deleterious effect on protein structure/function; Has not been previously published as pathogenic or benign to our knowledge

NM_004415.4(DSP):c.2537A>G (p.Tyr846Cys)

Gene: DSP (desmoplakin; plus strand). Cytogenetic location: 6p24.3.
Variant type: single nucleotide variant.
Coding change: c.2537A>G on transcript NM_004415.4 (MANE Select); coding-DNA position 2537, A replaced by G.
Protein change: p.Tyr846Cys; replaces tyrosine 846 with cysteine.
Molecular consequence: missense variant.
Genome position (GRCh38, 1-based): chr6:7,575,395, A>G. VCF-style: chr6-7575395-A-G. GRCh37 (hg19) VCF-style: chr6-7575628-A-G.
Other names: c.2537A>G, p.Tyr846Cys (NM_001008844.3, NM_001319034.2); short protein forms Y846C.
Identifiers: ClinVar variation 4540215 (VCV004540215.1).